The following is an entry in ClinVar:

ClinVar aggregate classification (germline): Uncertain significance (1 of 4 stars; one submission).

Allele frequency attached by ClinVar (database versions not stated): gnomAD 0.00001; gnomAD exomes 0.00001; TOPMed 0.00002; ExAC 0.00003.
gnomAD v4.1: 9 of 1,613,100 alleles (0.00056%); highest among the groups gnomAD compares: Admixed American, 0.015%; no homozygotes.

Submission:

Labcorp Genetics (formerly Invitae), Labcorp
Classification: Uncertain significance. Last evaluated: 2025-07-21. Review status: criteria provided, single submitter. Criteria: Invitae Variant Classification Sherloc (09022015). Collection method: clinical testing. Allele origin: germline.
Comment: This sequence change falls in intron 5 of the NUP160 gene. It does not directly change the encoded amino acid sequence of the NUP160 protein. It affects a nucleotide within the consensus splice site. This variant is present in population databases (rs746661560, gnomAD 0.02%). This variant has not been reported in the literature in individuals affected with NUP160-related conditions. ClinVar contains an entry for this variant (Variation ID: 2064046). Variants that disrupt the consensus splice site are a relatively common cause of aberrant splicing (PMID: 17576681, 9536098). Algorithms developed to predict the effect of sequence changes on RNA splicing suggest that this variant is not likely to affect RNA splicing. In summary, the available evidence is currently insufficient to determine the role of this variant in disease. Therefore, it has been classified as a Variant of Uncertain Significance.

Literature cited by the submitters: PubMed 17576681; PubMed 9536098.

NM_015231.3(NUP160):c.725+3G>A

Gene: NUP160 (nucleoporin 160; minus strand). Cytogenetic location: 11p11.2.
Variant type: single nucleotide variant.
Coding change: c.725+3G>A on transcript NM_015231.3 (MANE Select); 3 bases into the intron after coding-DNA position 725, G replaced by A.
Molecular consequence: intron variant.
Genome position (GRCh38, 1-based): chr11:47,837,542, C>T on the plus strand (G>A on the coding strand, the complement: NUP160 is on the minus strand). VCF-style: chr11-47837542-C-T. GRCh37 (hg19) VCF-style: chr11-47859094-C-T.
Identifiers: ClinVar variation 2064046 (VCV002064046.4), dbSNP rs746661560, ClinGen allele CA5981540.